The following is an entry in ClinVar:

ClinVar aggregate classification (germline): Uncertain significance. Review status: criteria provided, multiple submitters, no conflicts (2 of 4 stars). 3 submissions from 3 submitters: Uncertain significance (3). Last evaluated 2026-03-18.

Conditions:
Hereditary cancer-predisposing syndrome. Also called: Hereditary Cancer Syndrome; Tumor predisposition; Hereditary neoplastic syndrome; Neoplastic Syndromes, Hereditary. Identifiers: Orphanet 140162, MedGen C0027672, MeSH D009386, MONDO:0015356.
Familial cancer of breast. Also called: Hereditary breast cancer; BREAST CANCER, FAMILIAL; hereditary breast carcinoma. Identifiers: Orphanet 227535, MedGen C0346153, MONDO:0016419, OMIM 114480. Disease mechanism: loss of function.
Fanconi anemia complementation group J. Also called: BRIP1-Related Fanconi Anemia. Identifiers: Orphanet 84, MedGen C1836860, MONDO:0012187, OMIM 609054.

Submissions (3):

Ambry Genetics
Classification: Uncertain significance for Hereditary cancer-predisposing syndrome. Last evaluated: 2026-03-18. Review status: criteria provided, single submitter. Criteria: Ambry Variant Classification Scheme 2023. Collection method: clinical testing. Allele origin: germline.
Comment: The p.D99A variant (also known as c.296A>C), located in coding exon 3 of the BRIP1 gene, results from an A to C substitution at nucleotide position 296. The aspartic acid at codon 99 is replaced by alanine, an amino acid with dissimilar properties. This amino acid position is conserved. In addition, this alteration is predicted to be tolerated by in silico analysis. Based on the available evidence, the clinical significance of this variant remains unclear.

Labcorp Genetics (formerly Invitae), Labcorp
Classification: Uncertain significance for Familial cancer of breast; Fanconi anemia complementation group J. Last evaluated: 2024-11-04. Review status: criteria provided, single submitter. Criteria: Invitae Variant Classification Sherloc (09022015). Collection method: clinical testing. Allele origin: germline.
Comment: This sequence change replaces aspartic acid, which is acidic and polar, with alanine, which is neutral and non-polar, at codon 99 of the BRIP1 protein (p.Asp99Ala). This variant is not present in population databases (gnomAD no frequency). This variant has not been reported in the literature in individuals affected with BRIP1-related conditions. ClinVar contains an entry for this variant (Variation ID: 418715). Invitae Evidence Modeling of protein sequence and biophysical properties (such as structural, functional, and spatial information, amino acid conservation, physicochemical variation, residue mobility, and thermodynamic stability) indicates that this missense variant is not expected to disrupt BRIP1 protein function with a negative predictive value of 95%. In summary, the available evidence is currently insufficient to determine the role of this variant in disease. Therefore, it has been classified as a Variant of Uncertain Significance.

GeneDx
Classification: Uncertain significance. Last evaluated: 2015-03-20. Review status: criteria provided, single submitter. Criteria: GeneDx Variant Classification (06012015). Collection method: clinical testing. Allele origin: germline. Affected: yes.
Comment: This variant is denoted BRIP1 c.296A>C at the cDNA level, p.Asp99Ala (D99A) at the protein level, and results in the change of an Aspartic Acid to an Alanine (GAC>GCC). This variant has not, to our knowledge, been published in the literature as pathogenic or benign. BRIP1 Asp99Ala was not observed in approximately 6,500 individuals of European and African American ancestry in the NHLBI Exome Sequencing Project, indicating it is not a common benign variant in these populations. Since Aspartic Acid and Alanine differ in polarity, charge, size or other properties, this is considered a non-conservative amino acid substitution. BRIP1 Asp99Ala occurs at a position that is conserved through mammals and is located in the helicase domain (Cantor 2011). In silico analyses are inconsistent regarding the effect this variant may have on protein structure and function. Based on currently available information, it is unclear whether BRIP1 Asp99Ala is pathogenic or benign. We consider it to be a variant of uncertain significance.

NM_032043.3(BRIP1):c.296A>C (p.Asp99Ala)

Gene: BRIP1 (BRCA1 interacting DNA helicase 1; minus strand). Cytogenetic location: 17q23.2.
Variant type: single nucleotide variant.
Coding change: c.296A>C on transcript NM_032043.3 (MANE Select); coding-DNA position 296, A replaced by C.
Protein change: p.Asp99Ala; replaces aspartic acid 99 with alanine.
Molecular consequence: missense variant.
Genome position (GRCh38, 1-based): chr17:61,857,141, T>G on the plus strand (A>C on the coding strand, the complement: BRIP1 is on the minus strand). VCF-style: chr17-61857141-T-G. GRCh37 (hg19) VCF-style: chr17-59934502-T-G.
Other names: short protein forms D99A.
Identifiers: ClinVar variation 418715 (VCV000418715.5), dbSNP rs773532701, ClinGen allele CA16620546.